The following is an entry in ClinVar:

NM_001029896.2(WDR45):c.725+2T>A

Gene: WDR45 (WD repeat domain 45; minus strand). Cytogenetic location: Xp11.23.
Variant type: single nucleotide variant.
Coding change: c.725+2T>A on transcript NM_001029896.2 (MANE Select); the canonical splice donor site of the intron after coding-DNA position 725, T replaced by A.
Molecular consequence: splice donor variant.
Genome position (GRCh38, 1-based): chrX:49,075,543, A>T on the plus strand (T>A on the coding strand, the complement: WDR45 is on the minus strand). VCF-style: chrX-49075543-A-T. GRCh37 (hg19) VCF-style: chrX-48933202-A-T.
Other names: c.728+2T>A (NM_007075.4).
Identifiers: ClinVar variation 3062075 (VCV003062075.1), dbSNP rs2520261283, ClinGen allele CA412943294.
Genomic context (GRCh38, chrX:49,075,543, plus strand): 5'-AGTGATGCCCACATGTCATGTGGTATGGGGTCACCAGCCCACCATGCATACCCTGTGCTC[A>T]CCAGTAGAGGGTGGCAGGGTCAGTGCCTCGGCGCAGCTCCACCAGTTTCTCCTTGGATTG-3'

ClinVar aggregate classification (germline): Pathogenic (1 of 4 stars; one submission).

Conditions:
Neurodegeneration with brain iron accumulation 5 (NBIA5). Also called: STATIC ENCEPHALOPATHY OF CHILDHOOD WITH NEURODEGENERATION IN ADULTHOOD; Beta-propeller protein-associated neurodegeneration. Identifiers: Orphanet 329284, MedGen C3550973, MONDO:0010476, OMIM 300894.

Submission:

Illumina Laboratory Services, Illumina
Classification: Pathogenic for Neurodegeneration with brain iron accumulation 5. Last evaluated: 2017-04-28. Review status: criteria provided, single submitter. Criteria: ICSLVariantClassificationCriteria RUGD 01 April 2020. Collection method: clinical testing. Allele origin: unknown.
Comment: The WDR45 c.728+2T>A variant results in a substitution at the consensus splice donor site, which is predicted to result in splicing defects that may lead to a truncated protein. To our knowledge, this variant has not been reported in the peer-reviewed literature. This variant is not observed in version 2.1.1 of the Genome Aggregation Database. Based on the available evidence the c.728+2T>A variant is classified as pathogenic for neurodegeneration with brain iron accumulation 5.